The following is an entry in ClinVar:

NM_016341.4(PLCE1):c.5329A>G (p.Thr1777Ala)

Gene: PLCE1 (phospholipase C epsilon 1; plus strand). Cytogenetic location: 10q23.33.
Variant type: single nucleotide variant.
Coding change: c.5329A>G on transcript NM_016341.4 (MANE Select); coding-DNA position 5329, A replaced by G.
Protein change: p.Thr1777Ala; replaces threonine 1777 with alanine.
Molecular consequence: missense variant.
Genome position (GRCh38, 1-based): chr10:94,298,540, A>G. VCF-style: chr10-94298540-A-G. GRCh37 (hg19) VCF-style: chr10-96058297-A-G.
Other names: c.4405A>G, p.Thr1469Ala (NM_001165979.2); c.5281A>G, p.Thr1761Ala (NM_001288989.2); short protein forms T1761A, T1469A, T1777A.
Identifiers: ClinVar variation 2007165 (VCV002007165.4), dbSNP rs2497132409, ClinGen allele CA377641996.

ClinVar aggregate classification (germline): Uncertain significance (1 of 4 stars; one submission).

Allele frequency attached by ClinVar (database versions not stated): gnomAD exomes below 0.00001.
gnomAD v4.1: 1 of 1,613,950 alleles (0.000062%); highest among the groups gnomAD compares: Non-Finnish European, 0.000085%; no homozygotes.

Submission:

Labcorp Genetics (formerly Invitae), Labcorp
Classification: Uncertain significance. Last evaluated: 2022-06-16. Review status: criteria provided, single submitter. Criteria: Invitae Variant Classification Sherloc (09022015). Collection method: clinical testing. Allele origin: germline.
Comment: In summary, the available evidence is currently insufficient to determine the role of this variant in disease. Therefore, it has been classified as a Variant of Uncertain Significance. Algorithms developed to predict the effect of missense changes on protein structure and function (SIFT, PolyPhen-2, Align-GVGD) all suggest that this variant is likely to be tolerated. This variant has not been reported in the literature in individuals affected with PLCE1-related conditions. This variant is not present in population databases (gnomAD no frequency). This sequence change replaces threonine, which is neutral and polar, with alanine, which is neutral and non-polar, at codon 1777 of the PLCE1 protein (p.Thr1777Ala).